The following is an entry in ClinVar:

ClinVar aggregate classification (germline): Likely benign. Review status: criteria provided, multiple submitters, no conflicts (2 of 4 stars). 4 submissions from 4 submitters: Likely benign (3). 1 of the submissions does not count toward it. Last evaluated 2025-10-06.

Conditions:
Megalencephaly-polymicrogyria-postaxial polydactyly-hydrocephalus syndrome. Also called: MPPH Syndrome; MEG-PMG-MEGACC SYNDROME. Identifiers: Orphanet 83473, MedGen C1863924, MONDO:0019375.
PIK3R2-related disorder. Also called: PIK3R2-related condition.

Allele frequency attached by ClinVar (database versions not stated): gnomAD 0.00101 and 0.00092; gnomAD exomes 0.00008 and 0.00010; 1000 Genomes Project 0.00020; 1000 Genomes Project 30x 0.00062; TOPMed 0.00100.
gnomAD v4.1: 222 of 1,258,166 alleles (0.018%); highest among the groups gnomAD compares: African/African-American, 0.33%; no homozygotes.

Submissions (4):

Labcorp Genetics (formerly Invitae), Labcorp
Classification: Likely benign for Megalencephaly-polymicrogyria-postaxial polydactyly-hydrocephalus syndrome. Last evaluated: 2025-10-06. Review status: criteria provided, single submitter. Criteria: Invitae Variant Classification Sherloc (09022015). Collection method: clinical testing. Allele origin: germline.

CeGaT Center for Human Genetics Tuebingen
Classification: Likely benign. Last evaluated: 2025-07-01. Review status: criteria provided, single submitter. Criteria: CeGaT Center For Human Genetics Tuebingen Variant Classification Criteria Version 2. Collection method: clinical testing. Allele origin: germline. Affected: yes. Observed: 1 variant allele.
Comment: PIK3R2: BP4, BP7

Blueprint Genetics
Classification: Likely benign. Last evaluated: 2024-03-11. Review status: criteria provided, single submitter. Criteria: ACMG Guidelines, 2015. Collection method: clinical testing. Allele origin: germline.

PreventionGenetics, part of Exact Sciences
Classification: Likely benign for PIK3R2-related condition. Last evaluated: 2022-10-25. Review status: no assertion criteria provided. Collection method: clinical testing. Allele origin: germline. Not counted in ClinVar's aggregate classification.
Comment: This variant is classified as likely benign based on ACMG/AMP sequence variant interpretation guidelines (Richards et al. 2015 PMID: 25741868, with internal and published modifications).

NM_005027.4(PIK3R2):c.696G>A (p.Val232=)

Genes: PIK3R2 (phosphoinositide-3-kinase regulatory subunit 2; plus strand), LOC130063979 (ATAC-STARR-seq lymphoblastoid silent region 10375; plus strand). Cytogenetic location: 19p13.11.
Variant type: single nucleotide variant.
Coding change: c.696G>A on transcript NM_005027.4 (MANE Select); coding-DNA position 696, G replaced by A.
Protein change: p.Val232=; no amino-acid change (valine 232 retained).
Molecular consequence: synonymous variant. On other transcripts: non-coding transcript variant (1).
Genome position (GRCh38, 1-based): chr19:18,161,376, G>A. VCF-style: chr19-18161376-G-A. GRCh37 (hg19) VCF-style: chr19-18272186-G-A.
Other names: c.696G>A, p.Val232= (LRG_1392t1).
Identifiers: ClinVar variation 536233 (VCV000536233.22), dbSNP rs571661207, ClinGen allele CA306170164.